The following is an entry in ClinVar:

ClinVar aggregate classification (germline): Uncertain significance. Review status: criteria provided, multiple submitters, no conflicts (2 of 4 stars). 2 submissions from 2 submitters: Uncertain significance (2). Last evaluated 2024-10-09.

Conditions:
Hereditary cancer-predisposing syndrome. Also called: Neoplastic Syndromes, Hereditary; Hereditary neoplastic syndrome; Tumor predisposition; Hereditary Cancer Syndrome. Identifiers: Orphanet 140162, MedGen C0027672, MeSH D009386, MONDO:0015356.
Neuroblastoma, susceptibility to, 3. Also called: ALK-Related Neuroblastic Tumor Susceptibility. Identifiers: Orphanet 635, MedGen C2751681, MONDO:0013083, OMIM 613014.

Allele frequency attached by ClinVar (database versions not stated): gnomAD 0.00001.
gnomAD v4.1: 4 of 1,613,626 alleles (0.00025%); highest among the groups gnomAD compares: Non-Finnish European, 0.00034%; no homozygotes.

Submissions (2):

Labcorp Genetics (formerly Invitae), Labcorp
Classification: Uncertain significance for Neuroblastoma, susceptibility to, 3. Last evaluated: 2024-10-09. Review status: criteria provided, single submitter. Criteria: Invitae Variant Classification Sherloc (09022015). Collection method: clinical testing. Allele origin: germline.
Comment: This sequence change replaces threonine, which is neutral and polar, with serine, which is neutral and polar, at codon 498 of the ALK protein (p.Thr498Ser). This variant is not present in population databases (gnomAD no frequency). This variant has not been reported in the literature in individuals affected with ALK-related conditions. ClinVar contains an entry for this variant (Variation ID: 836442). An algorithm developed to predict the effect of missense changes on protein structure and function (PolyPhen-2) suggests that this variant is likely to be tolerated. In summary, the available evidence is currently insufficient to determine the role of this variant in disease. Therefore, it has been classified as a Variant of Uncertain Significance.

Ambry Genetics
Classification: Uncertain significance for Hereditary cancer-predisposing syndrome. Last evaluated: 2024-02-27. Review status: criteria provided, single submitter. Criteria: Ambry Variant Classification Scheme 2023. Collection method: clinical testing. Allele origin: germline.
Comment: The p.T498S variant (also known as c.1492A>T), located in coding exon 7 of the ALK gene, results from an A to T substitution at nucleotide position 1492. The threonine at codon 498 is replaced by serine, an amino acid with similar properties. This amino acid position is conserved. In addition, this alteration is predicted to be tolerated by in silico analysis. Based on the available evidence, the clinical significance of this alteration remains unclear.

NM_004304.5(ALK):c.1492A>T (p.Thr498Ser)

Gene: ALK (ALK receptor tyrosine kinase; minus strand). Cytogenetic location: 2p23.2.
Variant type: single nucleotide variant.
Coding change: c.1492A>T on transcript NM_004304.5 (MANE Select); coding-DNA position 1492, A replaced by T.
Protein change: p.Thr498Ser; replaces threonine 498 with serine.
Molecular consequence: missense variant.
Genome position (GRCh38, 1-based): chr2:29,320,805, T>A on the plus strand (A>T on the coding strand, the complement: ALK is on the minus strand). VCF-style: chr2-29320805-T-A. GRCh37 (hg19) VCF-style: chr2-29543671-T-A.
Other names: short protein forms T498S.
Identifiers: ClinVar variation 836442 (VCV000836442.10), dbSNP rs1667013379, ClinGen allele CA346472385.